The following is an entry in ClinVar:

NM_001110556.2(FLNA):c.3686A>G (p.Tyr1229Cys)

Gene: FLNA (filamin A; minus strand). Cytogenetic location: Xq28.
Variant type: single nucleotide variant.
Coding change: c.3686A>G on transcript NM_001110556.2 (MANE Select); coding-DNA position 3686, A replaced by G.
Protein change: p.Tyr1229Cys; replaces tyrosine 1229 with cysteine.
Molecular consequence: missense variant.
Genome position (GRCh38, 1-based): chrX:154,360,109, T>C on the plus strand (A>G on the coding strand, the complement: FLNA is on the minus strand). VCF-style: chrX-154360109-T-C. GRCh37 (hg19) VCF-style: chrX-153588477-T-C.
Other names: c.3686A>G, p.Tyr1229Cys (NM_001456.4); short protein forms Y1229C.
Identifiers: ClinVar variation 2921871 (VCV002921871.3), dbSNP rs2148112025, ClinGen allele CA415223343.
Genomic context (GRCh38, chrX:154,360,109, plus strand): 5'-ACCTGCAGCTTGCTGGGGAAGTTGGGCACGGGCTGGCCGCCGTACTTGATGGTGACGGTG[T>C]AGGCCCCGGGGCAGAGGGGAATGTAGGTAATGGTGTGCGTGCCATCACCGTGGTCCTGGA-3'
Protein context (NP_001104026.1, residues 1219-1239): ITYIPLCPGA[Tyr1229Cys]TVTIKYGGQP

ClinVar aggregate classification (germline): Uncertain significance (1 of 4 stars; one submission).

Conditions:
Oto-palato-digital syndrome, type II (OPD2). Also called: Otopalatodigital Syndrome Type 2 (FLNA-OPD2); FACIOPALATOOSSEOUS SYNDROME; OPD II SYNDROME; Otopalatodigital Syndrome, Type II. Identifiers: Orphanet 669, Orphanet 90652, MedGen C1844696, MONDO:0010571, OMIM 304120.
Heterotopia, periventricular, X-linked dominant (PVNH1). Also called: PERIVENTRICULAR NODULAR HETEROTOPIA 1; X-linked periventricular heterotopia; PERIVENTRICULAR NODULAR HETEROTOPIA 4; HETEROTOPIA, PERIVENTRICULAR, 1. Identifiers: Orphanet 2149, Orphanet 82004, MedGen C1848213, MONDO:0010233, OMIM 300049.
Melnick-Needles syndrome (MNS). Also called: Melnick-Needles Syndrome (FLNA-MNS); MELNICK-NEEDLES OSTEODYSPLASTY; OSTEODYSPLASTY OF MELNICK AND NEEDLES. Identifiers: Orphanet 2484, MedGen C0025237, MONDO:0010650, OMIM 309350.
Frontometaphyseal dysplasia (FMD1). Identifiers: Orphanet 1826, MedGen C0265293, MONDO:0015942.

Submission:

Labcorp Genetics (formerly Invitae), Labcorp
Classification: Uncertain significance for Oto-palato-digital syndrome, type II; Heterotopia, periventricular, X-linked dominant; Frontometaphyseal dysplasia; Melnick-Needles syndrome. Last evaluated: 2024-01-01. Review status: criteria provided, single submitter. Criteria: Invitae Variant Classification Sherloc (09022015). Collection method: clinical testing. Allele origin: germline.
Comment: This sequence change replaces tyrosine, which is neutral and polar, with cysteine, which is neutral and slightly polar, at codon 1229 of the FLNA protein (p.Tyr1229Cys). This variant is not present in population databases (gnomAD no frequency). This missense change has been observed in individual(s) with Melnick-Needles syndrome (Invitae). Advanced modeling of protein sequence and biophysical properties (such as structural, functional, and spatial information, amino acid conservation, physicochemical variation, residue mobility, and thermodynamic stability) performed at Invitae indicates that this missense variant is not expected to disrupt FLNA protein function with a negative predictive value of 95%. This variant disrupts the p.Tyr1229 amino acid residue in FLNA. Other variant(s) that disrupt this residue have been determined to be pathogenic (PMID: 21031081). This suggests that this residue is clinically significant, and that variants that disrupt this residue are likely to be disease-causing. In summary, the available evidence is currently insufficient to determine the role of this variant in disease. Therefore, it has been classified as a Variant of Uncertain Significance.

Literature cited by the submitters: PubMed 21031081.